The following is an entry in ClinVar:

NM_001040108.2(MLH3):c.3044A>T (p.Asp1015Val)

Gene: MLH3 (mutL homolog 3; minus strand). Cytogenetic location: 14q24.3.
Variant type: single nucleotide variant.
Coding change: c.3044A>T on transcript NM_001040108.2 (MANE Select); coding-DNA position 3044, A replaced by T.
Protein change: p.Asp1015Val; replaces aspartic acid 1015 with valine.
Molecular consequence: missense variant.
Genome position (GRCh38, 1-based): chr14:75,046,612, T>A on the plus strand (A>T on the coding strand, the complement: MLH3 is on the minus strand). VCF-style: chr14-75046612-T-A. GRCh37 (hg19) VCF-style: chr14-75513315-T-A.
Other names: c.3044A>T, p.Asp1015Val (NM_014381.3); short protein forms D1015V.
Identifiers: ClinVar variation 4108594 (VCV004108594.1).

ClinVar aggregate classification (germline): Uncertain significance (1 of 4 stars; one submission).

Submission:

Ambry Genetics
Classification: Uncertain significance. Last evaluated: 2025-09-12. Review status: criteria provided, single submitter. Criteria: Ambry Variant Classification Scheme 2023. Collection method: clinical testing. Allele origin: germline.
Comment: The p.D1015V variant (also known as c.3044A>T), located in coding exon 1 of the MLH3 gene, results from an A to T substitution at nucleotide position 3044. The aspartic acid at codon 1015 is replaced by valine, an amino acid with highly dissimilar properties. This amino acid position is conserved. In addition, this alteration is predicted to be tolerated by in silico analysis. Based on the available evidence, the clinical significance of this variant remains unclear.